The following is an entry in ClinVar:

ClinVar aggregate classification (germline): Pathogenic/Likely pathogenic. Review status: criteria provided, multiple submitters, no conflicts (2 of 4 stars). 3 submissions from 3 submitters: Pathogenic (1); Likely pathogenic (2). Last evaluated 2024-03-16.

Conditions:
Microcephaly, normal intelligence and immunodeficiency (NBS). Also called: BERLIN BREAKAGE SYNDROME; SEEMANOVA SYNDROME II; Immunodeficiency, microcephaly with normal intelligence; Nijmegen breakage syndrome; Microcephaly with normal intelligence immunodeficiency and lymphoreticular malignancies; Nonsyndromal microcephaly autosomal recessive with normal intelligence. Identifiers: Orphanet 647, MedGen C0398791, MONDO:0009623, OMIM 251260.
Hereditary cancer-predisposing syndrome. Also called: Hereditary neoplastic syndrome; Hereditary Cancer Syndrome; Neoplastic Syndromes, Hereditary; Tumor predisposition. Identifiers: Orphanet 140162, MedGen C0027672, MeSH D009386, MONDO:0015356.

gnomAD v4.1: 1 of 1,582,802 alleles (0.000063%); highest among the groups gnomAD compares: Non-Finnish European, 0.000087%; no homozygotes.

Submissions (3):

Labcorp Genetics (formerly Invitae), Labcorp
Classification: Pathogenic for Microcephaly, normal intelligence and immunodeficiency. Last evaluated: 2024-03-16. Review status: criteria provided, single submitter. Criteria: Invitae Variant Classification Sherloc (09022015). Collection method: clinical testing. Allele origin: germline.
Comment: This sequence change affects an acceptor splice site in intron 4 of the NBN gene. RNA analysis indicates that disruption of this splice site induces altered splicing and may result in an absent or disrupted protein product. This variant is not present in population databases (gnomAD no frequency). Disruption of this splice site has been observed in individual(s) with ovarian cancer (PMID: 26315354). ClinVar contains an entry for this variant (Variation ID: 423030). Studies have shown that disruption of this splice site results in skipping of exon 5 and introduces a premature termination codon (Invitae). The resulting mRNA is expected to undergo nonsense-mediated decay. For these reasons, this variant has been classified as Pathogenic.

Ambry Genetics
Classification: Likely pathogenic for Hereditary cancer-predisposing syndrome. Last evaluated: 2023-08-23. Review status: criteria provided, single submitter. Criteria: Ambry Variant Classification Scheme 2023. Collection method: clinical testing. Allele origin: germline.
Comment: The c.481-2A>G intronic variant results from an A to G substitution two nucleotides before coding exon 5 of the NBN gene. This variant identified in a cohort of 3,579 African males diagnosed with prostate cancer who underwent multi-gene panel testing (Matejcic M et al. JCO Precis Oncol, 2020 Jan;4:32-43).This variant is considered to be rare based on population cohorts in the Genome Aggregation Database (gnomAD). This nucleotide position is highly conserved in available vertebrate species. In silico splice site analysis predicts that this alteration will weaken the native splice acceptor site. RNA studies have demonstrated that this alteration results in abnormal splicing in the set of samples tested (Ambry internal data). In addition to the clinical data presented in the literature, alterations that disrupt the canonical splice site are expected to cause aberrant splicing, resulting in an abnormal protein or a transcript that is subject to nonsense-mediated mRNA decay. As such, this alteration is classified as likely pathogenic.

GeneDx
Classification: Likely pathogenic. Last evaluated: 2021-11-10. Review status: criteria provided, single submitter. Criteria: GeneDx Variant Classification Process June 2021. Collection method: clinical testing. Allele origin: germline. Affected: yes.
Comment: Canonical splice site variant predicted to result in a null allele in a gene for which loss-of-function is a known mechanism of disease; Not observed at significant frequency in large population cohorts (Lek et al., 2016); Observed in an individual with prostate cancer (Matejcic 2020); This variant is associated with the following publications: (PMID: 32832836)

Literature cited by the submitters: PubMed 26315354 (cited by Labcorp Genetics (formerly Invitae), Labcorp); PubMed 32832836 (cited by Ambry Genetics).

NM_002485.5(NBN):c.481-2A>G

Gene: NBN (nibrin; minus strand). Cytogenetic location: 8q21.3.
Variant type: single nucleotide variant.
Coding change: c.481-2A>G on transcript NM_002485.5 (MANE Select); the canonical splice acceptor site of the intron before coding-DNA position 481, A replaced by G.
Molecular consequence: splice acceptor variant.
Genome position (GRCh38, 1-based): chr8:89,978,325, T>C on the plus strand (A>G on the coding strand, the complement: NBN is on the minus strand). VCF-style: chr8-89978325-T-C. GRCh37 (hg19) VCF-style: chr8-90990553-T-C.
Other names: c.235-2A>G (NM_001024688.3).
Identifiers: ClinVar variation 423030 (VCV000423030.15), dbSNP rs751567476, ClinGen allele CA16618708.